The following is an entry in ClinVar:

NM_005076.5(CNTN2):c.3039G>A (p.Met1013Ile)

Gene: CNTN2 (contactin 2; plus strand). Cytogenetic location: 1q32.1.
Variant type: single nucleotide variant.
Coding change: c.3039G>A on transcript NM_005076.5 (MANE Select); coding-DNA position 3039, G replaced by A.
Protein change: p.Met1013Ile; replaces methionine 1013 with isoleucine.
Molecular consequence: missense variant. On other transcripts: non-coding transcript variant (1).
Genome position (GRCh38, 1-based): chr1:205,073,681, G>A. VCF-style: chr1-205073681-G-A. GRCh37 (hg19) VCF-style: chr1-205042809-G-A.
Other names: c.3039G>A, p.Met1013Ile (NM_001346083.2); short protein forms M1013I.
Identifiers: ClinVar variation 1716422 (VCV001716422.5), dbSNP rs2526434855, ClinGen allele CA344384072.

ClinVar aggregate classification (germline): Uncertain significance (1 of 4 stars; one submission).

Conditions:
Epilepsy, familial adult myoclonic, 5 (EPEO5). Also called: CORTICAL MYOCLONIC TREMOR WITH EPILEPSY, FAMILIAL, 5. Identifiers: Orphanet 86814, MedGen C3809374, MONDO:0014167, OMIM 615400.

Submission:

Labcorp Genetics (formerly Invitae), Labcorp
Classification: Uncertain significance for Epilepsy, familial adult myoclonic, 5. Last evaluated: 2022-08-14. Review status: criteria provided, single submitter. Criteria: Invitae Variant Classification Sherloc (09022015). Collection method: clinical testing. Allele origin: germline.
Comment: In summary, the available evidence is currently insufficient to determine the role of this variant in disease. Therefore, it has been classified as a Variant of Uncertain Significance. Advanced modeling of protein sequence and biophysical properties (such as structural, functional, and spatial information, amino acid conservation, physicochemical variation, residue mobility, and thermodynamic stability) performed at Invitae indicates that this missense variant is not expected to disrupt CNTN2 protein function. This variant has not been reported in the literature in individuals affected with CNTN2-related conditions. This variant is not present in population databases (gnomAD no frequency). This sequence change replaces methionine, which is neutral and non-polar, with isoleucine, which is neutral and non-polar, at codon 1013 of the CNTN2 protein (p.Met1013Ile).